The following is an entry in ClinVar:

ClinVar aggregate classification (germline): Likely benign. Review status: criteria provided, multiple submitters, no conflicts (2 of 4 stars). 4 submissions from 4 submitters: Likely benign (3). 1 of the submissions does not count toward it. Last evaluated 2026-01-20.

Conditions:
Medulloblastoma (MDB). Also called: Medulloblastoma, somatic; MEDULLOBLASTOMA PREDISPOSITION SYNDROME. Identifiers: Orphanet 616, MedGen C0025149, MeSH D008527, MONDO:0007959, OMIM 155255, HP:0002885.
Familial dysautonomia. Also called: HSAN III; FD. Identifiers: Orphanet 1764, MedGen C0013364, MONDO:0009131, OMIM 223900. Disease mechanism: loss of function.

Allele frequency attached by ClinVar (database versions not stated): ExAC 0.00002; gnomAD 0.00003 and 0.00004; TOPMed 0.00003; gnomAD exomes 0.00004 and 0.00005.
gnomAD v4.1: 77 of 1,609,258 alleles (0.0048%); highest among the groups gnomAD compares: Non-Finnish European, 0.0061%; no homozygotes.

Submissions (4):

Labcorp Genetics (formerly Invitae), Labcorp
Classification: Likely benign. Last evaluated: 2026-01-20. Review status: criteria provided, single submitter. Criteria: Invitae Variant Classification Sherloc (09022015). Collection method: clinical testing. Allele origin: germline.

CeGaT Center for Human Genetics Tuebingen
Classification: Likely benign. Last evaluated: 2025-09-01. Review status: criteria provided, single submitter. Criteria: CeGaT Center For Human Genetics Tuebingen Variant Classification Criteria Version 2. Collection method: clinical testing. Allele origin: germline. Affected: yes. Observed: 1 variant allele.
Comment: ELP1: BP4, BP7

Fulgent Genetics
Classification: Likely benign for Medulloblastoma; Familial dysautonomia. Last evaluated: 2021-11-19. Review status: criteria provided, single submitter. Criteria: ACMG Guidelines, 2015. Collection method: clinical testing. Allele origin: unknown.

Natera, Inc.
Classification: Likely benign for Familial dysautonomia. Last evaluated: 2018-09-17. Review status: no assertion criteria provided. Collection method: clinical testing. Allele origin: germline. Not counted in ClinVar's aggregate classification.

NM_003640.5(ELP1):c.3456T>C (p.Gly1152=)

Gene: ELP1 (elongator acetyltransferase complex subunit 1; minus strand). Cytogenetic location: 9q31.3.
Variant type: single nucleotide variant.
Coding change: c.3456T>C on transcript NM_003640.5 (MANE Select); coding-DNA position 3456, T replaced by C.
Protein change: p.Gly1152=; no amino-acid change (glycine 1152 retained).
Molecular consequence: synonymous variant.
Genome position (GRCh38, 1-based): chr9:108,880,056, A>G on the plus strand (T>C on the coding strand, the complement: ELP1 is on the minus strand). VCF-style: chr9-108880056-A-G. GRCh37 (hg19) VCF-style: chr9-111642336-A-G.
Other names: c.3114T>C, p.Gly1038= (NM_001318360.2); c.2409T>C, p.Gly803= (NM_001330749.2).
Identifiers: ClinVar variation 696964 (VCV000696964.19), dbSNP rs746303238, ClinGen allele CA5174309.